The following is an entry in ClinVar:

ClinVar aggregate classification (germline): Conflicting classifications of pathogenicity. Review status: criteria provided, conflicting classifications (1 of 4 stars). 6 submissions from 6 submitters: Likely pathogenic (4); Uncertain significance (2). Last evaluated 2026-09-23.

Conditions:
Joubert syndrome and related disorders. Identifiers: Orphanet 140874, MedGen C5679612, MONDO:0015369.
Joubert syndrome with renal defect. Also called: JOUBERT SYNDROME 4. Identifiers: Orphanet 220497, MedGen C1846790, MONDO:0012308, OMIM 609583.
Senior-Loken syndrome 1 (SLSN1). Also called: JUVENILE NEPHRONOPHTHISIS WITH LEBER AMAUROSIS. Identifiers: Orphanet 3156, MedGen C4551559, MONDO:0009962, OMIM 266900.
Nephronophthisis 1 (NPHP1). Also called: Nephronophthisis familial juvenile. Identifiers: Orphanet 655, Orphanet 93592, MedGen C1855681, MONDO:0009728, OMIM 256100.
NPHP1-related disorder. Also called: NPHP1-related disorders; NPHP1-related condition.
Nephronophthisis. Also called: Juvenile Nephronophthisis. Identifiers: Orphanet 655, MedGen C0687120, MONDO:0019005, HP:0000090.

Allele frequency attached by ClinVar (database versions not stated): gnomAD exomes 0.00002 and 0.00006; ExAC 0.00007; ESP Exome Variant Server 0.00015; TOPMed 0.00019; gnomAD 0.00025 and 0.00027.
gnomAD v4.1: 83 of 1,337,792 alleles (0.0062%); highest among the groups gnomAD compares: African/African-American, 0.08%; 1 homozygote.

Submissions (6):

PreventionGenetics, part of Exact Sciences
Classification: Likely pathogenic for NPHP1-related condition. Last evaluated: 2026-09-23. Review status: criteria provided, single submitter. Criteria: ACMG Guidelines, 2015. Collection method: clinical testing. Allele origin: germline.
Comment: The NPHP1 c.939+1G>T variant is predicted to disrupt the GT donor site and interfere with normal splicing. To our knowledge, this variant has not been reported in individuals affected by NPHP1-related disease. This variant is reported in 0.076% of alleles in individuals of African descent in gnomAD. Variants that disrupt the consensus splice donor site in NPHP1 are expected to be pathogenic. This variant is interpreted as likely pathogenic.

Dasa
Classification: Uncertain significance. Last evaluated: 2026-04-15. Review status: criteria provided, single submitter. Criteria: DASA Assertion Criteria. Collection method: clinical testing. Allele origin: germline.
Comment: NM_000272.5(NPHP1):c.939+1G>T affects a canonical splice site and is predicted to disrupt normal RNA splicing. This variant is rare in population databases. The currently available literature and clinical evidence are not sufficient to establish a definitive association between this variant and the reported condition. Therefore, this variant is classified as a variant of uncertain significance.

Labcorp Genetics (formerly Invitae), Labcorp
Classification: Likely pathogenic for Nephronophthisis. Last evaluated: 2025-11-09. Review status: criteria provided, single submitter. Criteria: Invitae Variant Classification Sherloc (09022015). Collection method: clinical testing. Allele origin: germline.
Comment: This sequence change affects a donor splice site in intron 8 of the NPHP1 gene. It is expected to disrupt RNA splicing. Variants that disrupt the donor or acceptor splice site typically lead to a loss of protein function (PMID: 16199547), and loss-of-function variants in NPHP1 are known to be pathogenic (PMID: 23559409). This variant is present in population databases (rs150520157, gnomAD 0.08%). This variant has not been reported in the literature in individuals affected with NPHP1-related conditions. ClinVar contains an entry for this variant (Variation ID: 935283). In summary, the currently available evidence indicates that the variant is pathogenic, but additional data are needed to prove that conclusively. Therefore, this variant has been classified as Likely Pathogenic.

Women's Health and Genetics/Laboratory Corporation of America, LabCorp
Classification: Likely pathogenic for Joubert syndrome and related disorders. Last evaluated: 2023-03-31. Review status: criteria provided, single submitter. Criteria: LabCorp Variant Classification Summary - May 2015. Collection method: clinical testing. Allele origin: germline.
Comment: Variant summary: NPHP1 c.939+1G>T is located in a canonical splice-site and is predicted to affect mRNA splicing resulting in a significantly altered protein due to either exon skipping, shortening, or inclusion of intronic material. A computational tool predicts that the variant abolishes a canonical 5' splicing donor site. However, this prediction has yet to be confirmed by functional studies. The variant allele was found at a frequency of 5.6e-05 in 249588 control chromosomes, predominantly at a frequency of 0.00074 within the African or African-American subpopulation in the gnomAD database. The observed variant frequency within African or African-American control individuals in the gnomAD database is approximately equal to the estimated maximal expected allele frequency for a pathogenic variant in NPHP1 causing Joubert Syndrome And Related Disorders phenotype (0.00056), suggesting that the variant could be a benign polymorphism found primarily in populations of African or African-American origin, however this does not allow for any strong conclusions to be made about variant significance. To our knowledge, no occurrence of c.939+1G>T in individuals affected with Joubert Syndrome And Related Disorders and no experimental evidence demonstrating its impact on protein function have been reported. Two clinical diagnostic laboratories have submitted clinical-significance assessments for this variant to ClinVar after 2014 and both classified the variant as likely pathogenic. Based on the evidence outlined above, the variant was classified as likely pathogenic.

Baylor Genetics
Classification: Uncertain significance for Joubert syndrome with renal defect. Last evaluated: 2022-03-25. Review status: criteria provided, single submitter. Criteria: ACMG Guidelines, 2015. Collection method: clinical testing. Allele origin: unknown.

Fulgent Genetics
Classification: Likely pathogenic for Nephronophthisis 1; Senior-Loken syndrome 1; Joubert syndrome with renal defect. Last evaluated: 2021-06-30. Review status: criteria provided, single submitter. Criteria: ACMG Guidelines, 2015. Collection method: clinical testing. Allele origin: unknown.
Comment: This variant has been detected in individual(s) who were sent for testing of Renasight - kidney gene panel.

Literature cited by the submitters: PubMed 16199547 (cited by Labcorp Genetics (formerly Invitae), Labcorp); PubMed 23559409 (cited by Labcorp Genetics (formerly Invitae), Labcorp).

NM_001128178.3(NPHP1):c.771+169G>T

Gene: NPHP1 (nephrocystin 1; minus strand). Cytogenetic location: 2q13.
Variant type: single nucleotide variant.
Coding change: c.771+169G>T on transcript NM_001128178.3 (MANE Select); 169 bases into the intron after coding-DNA position 771, G replaced by T.
Molecular consequence: intron variant. On other transcripts: splice donor variant (2).
Genome position (GRCh38, 1-based): chr2:110,164,519, C>A on the plus strand (G>T on the coding strand, the complement: NPHP1 is on the minus strand). VCF-style: chr2-110164519-C-A. GRCh37 (hg19) VCF-style: chr2-110922096-C-A.
Other names: c.585+169G>T (NM_001128179.3); c.771+169G>T (NM_001374256.1, NM_001374257.1); c.939+1G>T (NM_207181.4, NM_000272.5).
Identifiers: ClinVar variation 935283 (VCV000935283.15), dbSNP rs150520157, ClinGen allele CA1827253.
Genomic context (GRCh38, chr2:110,164,519, plus strand): 5'-ACACCATGAATTATCTATTCTTTTTGTACAAAAAAAAAAAAAAACTAATGAGAAATGTTA[C>A]TTGGAGCACAGGCTTAGAAACCAGAAATATACGTCCTCTGCTCTGTACATTCCATGCCCT-3'